The following is an entry in ClinVar:

NM_032578.4(MYPN):c.1131-127A>G

Gene: MYPN (myopalladin; plus strand). Cytogenetic location: 10q21.3.
Variant type: single nucleotide variant.
Coding change: c.1131-127A>G on transcript NM_032578.4 (MANE Select); 127 bases into the intron before coding-DNA position 1131, A replaced by G.
Molecular consequence: intron variant.
Genome position (GRCh38, 1-based): chr10:68,148,226, A>G. VCF-style: chr10-68148226-A-G. GRCh37 (hg19) VCF-style: chr10-69907983-A-G.
Other names: c.1131-127A>G (NM_001256267.2); c.249-127A>G (NM_001256268.2).
Identifiers: ClinVar variation 675376 (VCV000675376.1), dbSNP rs10509296, ClinGen allele CA13291589.

ClinVar aggregate classification (germline): Benign (1 of 4 stars; one submission).

Allele frequency attached by ClinVar (database versions not stated): gnomAD exomes 0.01065; gnomAD 0.09907 and 0.10617; TOPMed 0.11252; 1000 Genomes Project 0.11601; 1000 Genomes Project 30x 0.12242.
gnomAD v4.1: 22,645 of 818,274 alleles (2.8%); highest among the groups gnomAD compares: African/African-American, 34%; 3,482 homozygotes.

Submission:

GeneDx
Classification: Benign. Last evaluated: 2018-06-14. Review status: criteria provided, single submitter. Criteria: GeneDx Variant Classification (06012015). Collection method: clinical testing. Allele origin: germline. Affected: yes.
Comment: This variant is considered likely benign or benign based on one or more of the following criteria: it is a conservative change, it occurs at a poorly conserved position in the protein, it is predicted to be benign by multiple in silico algorithms, and/or has population frequency not consistent with disease.